The following is an entry in ClinVar:

ClinVar aggregate classification (germline): Uncertain significance (0 of 4 stars; one submission).

Conditions:
SRCAP-related disorder. Also called: SRCAP-related condition.

Submission:

PreventionGenetics, part of Exact Sciences
Classification: Uncertain significance for SRCAP-related condition. Last evaluated: 2024-07-31. Review status: no assertion criteria provided. Collection method: clinical testing. Allele origin: germline.
Comment: The SRCAP c.7486_7503del18 variant is predicted to result in an in-frame deletion (p.Ser2496_Pro2501del). To our knowledge, this variant has not been reported in the literature or in a large population database, indicating this variant is rare. At this time, the clinical significance of this variant is uncertain due to the absence of conclusive functional and genetic evidence.

NM_006662.3(SRCAP):c.7486_7503del (p.Ser2496_Pro2501del)

Gene: SRCAP (Snf2 related CREBBP activator protein; plus strand). Cytogenetic location: 16p11.2.
Variant type: Deletion.
Coding change: c.7486_7503del on transcript NM_006662.3 (MANE Select); coding-DNA positions 7486 to 7503, 18 bases deleted (TCTCCTGCCTGCACCCCT).
Protein change: p.Ser2496_Pro2501del.
Molecular consequence: inframe deletion.
Genome position (GRCh38, 1-based): chr16:30,737,526-30,737,543, TCTCCTGCCTGCACCCCT deleted; deleting any 18 consecutive bases within chr16:30,737,524-30,737,543 gives the same sequence; the c. name uses the placement nearest the transcript's 3' end. VCF-style (leftmost placement, unchanged base first): chr16-30737523-TCTTCTCCTGCCTGCACCC-T. GRCh37 (hg19) VCF-style: chr16-30748844-TCTTCTCCTGCCTGCACCC-T.
Identifiers: ClinVar variation 3356241 (VCV003356241.1).